The following is an entry in ClinVar:

ClinVar aggregate classification (germline): Uncertain significance (1 of 4 stars; one submission).

Conditions:
Hypertrophic cardiomyopathy. Also called: HYPERTROPHIC MYOCARDIOPATHY. Identifiers: Orphanet 217569, MedGen C0007194, MeSH D002312, MONDO:0005045, HP:0001639.

Submission:

Labcorp Genetics (formerly Invitae), Labcorp
Classification: Uncertain significance for Hypertrophic cardiomyopathy. Last evaluated: 2019-08-29. Review status: criteria provided, single submitter. Criteria: Invitae Variant Classification Sherloc (09022015). Collection method: clinical testing. Allele origin: germline.
Comment: This variant has not been reported in the literature in individuals with MYOZ2-related conditions. Algorithms developed to predict the effect of missense changes on protein structure and function (SIFT, PolyPhen-2, Align-GVGD) all suggest that this variant is likely to be tolerated, but these predictions have not been confirmed by published functional studies and their clinical significance is uncertain. In summary, the available evidence is currently insufficient to determine the role of this variant in disease. Therefore, it has been classified as a Variant of Uncertain Significance. This sequence change replaces arginine with serine at codon 218 of the MYOZ2 protein (p.Arg218Ser). The arginine residue is moderately conserved and there is a moderate physicochemical difference between arginine and serine. This variant is not present in population databases (ExAC no frequency).

NM_016599.5(MYOZ2):c.654G>T (p.Arg218Ser)

Gene: MYOZ2 (myozenin 2; plus strand). Cytogenetic location: 4q26.
Variant type: single nucleotide variant.
Coding change: c.654G>T on transcript NM_016599.5 (MANE Select); coding-DNA position 654, G replaced by T.
Protein change: p.Arg218Ser; replaces arginine 218 with serine.
Molecular consequence: missense variant.
Genome position (GRCh38, 1-based): chr4:119,186,059, G>T. VCF-style: chr4-119186059-G-T. GRCh37 (hg19) VCF-style: chr4-120107214-G-T.
Other names: short protein forms R218S.
Identifiers: ClinVar variation 939807 (VCV000939807.6), dbSNP rs1218433680, ClinGen allele CA358202048.